The following is an entry in ClinVar:

NM_001009944.3(PKD1):c.6658C>G (p.Arg2220Gly)

Gene: PKD1 (polycystin 1, transient receptor potential channel interacting; minus strand). Cytogenetic location: 16p13.3.
Variant type: single nucleotide variant.
Coding change: c.6658C>G on transcript NM_001009944.3 (MANE Select); coding-DNA position 6658, C replaced by G.
Protein change: p.Arg2220Gly; replaces arginine 2220 with glycine.
Molecular consequence: missense variant.
Genome position (GRCh38, 1-based): chr16:2,108,509, G>C on the plus strand (C>G on the coding strand, the complement: PKD1 is on the minus strand). VCF-style: chr16-2108509-G-C. GRCh37 (hg19) VCF-style: chr16-2158510-G-C.
Other names: c.6658C>G, p.Arg2220Gly (NM_000296.4); short protein forms R2220G.
Identifiers: ClinVar variation 4983273 (VCV004983273.1).
Genomic context (GRCh38, chr16:2,108,509, plus strand): 5'-GCGTGTCCCCAAATGACACGACAAACACAAAGCAGTAGTGCCCCACAGGCAGCGCCAGCC[G>C]CGGCAGCACCAGCCGAGGCCGGCTCACGTCCACGCCGGGCAGGGCCACACGCGCTGGGCG-3'
Protein context (NP_001009944.3, residues 2210-2230): DVSRPRLVLP[Arg2220Gly]LALPVGHYCF

ClinVar aggregate classification (germline): Uncertain significance (1 of 4 stars; one submission).

Conditions:
PKD1-related disorder. Also called: PKD1-related condition.

gnomAD v4.1: 14 of 1,608,674 alleles (0.00087%); highest among the groups gnomAD compares: Admixed American, 0.0017%; no homozygotes.

Submission:

PreventionGenetics, part of Exact Sciences
Classification: Uncertain significance for PKD1-related condition. Last evaluated: 2025-12-15. Review status: criteria provided, single submitter. Criteria: ACMG Guidelines, 2015. Collection method: clinical testing. Allele origin: germline.
Comment: The PKD1 c.6658C>G variant is predicted to result in the amino acid substitution p.Arg2220Gly. To our knowledge, this variant has not been reported in the literature. This variant is reported in 0.0029% of alleles in individuals of Latino descent in gnomAD. At this time, the clinical significance of this variant is uncertain due to the absence of conclusive functional and genetic evidence.